The following is an entry in ClinVar:

NM_000789.4(ACE):c.412C>T (p.Gln138Ter)

Gene: ACE (angiotensin I converting enzyme; plus strand). Cytogenetic location: 17q23.3.
Variant type: single nucleotide variant.
Coding change: c.412C>T on transcript NM_000789.4 (MANE Select); coding-DNA position 412, C replaced by T.
Protein change: p.Gln138Ter; replaces glutamine 138 with a stop codon.
Molecular consequence: nonsense.
Genome position (GRCh38, 1-based): chr17:63,478,093, C>T. VCF-style: chr17-63478093-C-T. GRCh37 (hg19) VCF-style: chr17-61555454-C-T.
Other names: short protein forms Q138*.
Identifiers: ClinVar variation 424033 (VCV000424033.2), dbSNP rs779422412, ClinGen allele CA8699037.

ClinVar aggregate classification (germline): Pathogenic (1 of 4 stars; one submission).

Allele frequency attached by ClinVar (database versions not stated): gnomAD exomes 0.00001; ExAC 0.00003.

Submission:

GeneDx
Classification: Pathogenic. Last evaluated: 2017-03-10. Review status: criteria provided, single submitter. Criteria: GeneDx Variant Classification (06012015). Collection method: clinical testing. Allele origin: germline. Affected: yes.
Comment: The Q138X variant in the ACE gene has not been reported previously as a pathogenic variant nor as a benign variant, to our knowledge. This variant is predicted to cause loss of normal protein function either through protein truncation or nonsense-mediated mRNA decay. The Q138X variant is not observed at a significant frequency in large population cohorts (Lek et al., 2016; 1000 Genomes Consortium et al., 2015; Exome Variant Server). We interpret Q138X as a pathogenic variant.